The following is an entry in ClinVar:

NM_000384.3(APOB):c.3379C>G (p.Pro1127Ala)

Gene: APOB (apolipoprotein B; minus strand). Cytogenetic location: 2p24.1.
Variant type: single nucleotide variant.
Coding change: c.3379C>G on transcript NM_000384.3 (MANE Select); coding-DNA position 3379, C replaced by G.
Protein change: p.Pro1127Ala; replaces proline 1127 with alanine.
Molecular consequence: missense variant.
Genome position (GRCh38, 1-based): chr2:21,015,499, G>C on the plus strand (C>G on the coding strand, the complement: APOB is on the minus strand). VCF-style: chr2-21015499-G-C. GRCh37 (hg19) VCF-style: chr2-21238371-G-C.
Other names: short protein forms P1127A.
Identifiers: ClinVar variation 2681891 (VCV002681891.1), dbSNP rs539614975, ClinGen allele CA346009208.

ClinVar aggregate classification (germline): Uncertain significance (1 of 4 stars; one submission).

Submission:

Quest Diagnostics Nichols Institute San Juan Capistrano
Classification: Uncertain significance. Last evaluated: 2023-03-03. Review status: criteria provided, single submitter. Criteria: Quest Diagnostics criteria. Collection method: clinical testing. Allele origin: unknown.
Comment: This variant has not been reported in the published literature. It also has not been reported in large, multi-ethnic general populations. Analysis of this variant using bioinformatics tools for the prediction of the effect of amino acid changes on protein structure and function yielded predictions that this variant is damaging. Additional analysis using software algorithms for the prediction of the effect of nucleotide changes on APOB mRNA splicing yielded predictions that this variant may result in the gain of a cryptic splice site without affecting the natural splice sites. Based on the available information, we are unable to determine the clinical significance of this variant.